The following is an entry in ClinVar:

ClinVar aggregate classification (germline): Likely pathogenic. Review status: criteria provided, single submitter (1 of 4 stars). 2 submissions from 2 submitters: Likely pathogenic (1). 1 of the submissions does not count toward it. Last evaluated 2024-04-29.

Conditions:
Marfan syndrome (MFS). Also called: Marfan syndrome type 1; Marfan syndrome, classic; Marfan's syndrome; FBN1-Related Marfan Syndrome; MARFAN SYNDROME, TYPE I. Identifiers: Orphanet 284963, Orphanet 558, MedGen C0024796, MONDO:0007947, OMIM 154700.

Submissions (2):

GeneDx
Classification: Likely pathogenic. Last evaluated: 2024-04-29. Review status: criteria provided, single submitter. Criteria: GeneDx Variant Classification Process June 2021. Collection method: clinical testing. Allele origin: germline. Affected: yes.
Comment: Not observed at significant frequency in large population cohorts (gnomAD); In silico analysis supports that this missense variant has a deleterious effect on protein structure/function; Affects a cysteine residue within a calcium-binding EGF-like domain of the FBN1 gene, which may affect disulfide bonding and is predicted to alter the structure and function of the protein; cysteine substitutions in the calcium-binding EGF-like domains represent the majority of pathogenic missense changes associated with FBN1-related disorders (PMID: 12938084); This variant is associated with the following publications: (PMID: 12938084, 16835936)

Center for Medical Genetics Ghent, University of Ghent
Classification: Pathogenic for Marfan syndrome. Last evaluated: 2017-11-07. Review status: no assertion criteria provided. Collection method: clinical testing. Allele origin: de novo. Affected: yes. Not counted in ClinVar's aggregate classification.

NM_000138.5(FBN1):c.4099T>C (p.Cys1367Arg)

Gene: FBN1 (fibrillin 1; minus strand). Cytogenetic location: 15q21.1.
Variant type: single nucleotide variant.
Coding change: c.4099T>C on transcript NM_000138.5 (MANE Select); coding-DNA position 4099, T replaced by C.
Protein change: p.Cys1367Arg; replaces cysteine 1367 with arginine.
Molecular consequence: missense variant.
Genome position (GRCh38, 1-based): chr15:48,474,366, A>G on the plus strand (T>C on the coding strand, the complement: FBN1 is on the minus strand). VCF-style: chr15-48474366-A-G. GRCh37 (hg19) VCF-style: chr15-48766563-A-G.
Other names: short protein forms C1367R.
Identifiers: ClinVar variation 549209 (VCV000549209.2), dbSNP rs1555397670, ClinGen allele CA392320358.